The following is an entry in ClinVar:

NM_000061.3(BTK):c.337G>A (p.Val113Ile)

Gene: BTK (Bruton tyrosine kinase; minus strand). Cytogenetic location: Xq22.1.
Variant type: single nucleotide variant.
Coding change: c.337G>A on transcript NM_000061.3 (MANE Select); coding-DNA position 337, G replaced by A.
Protein change: p.Val113Ile; replaces valine 113 with isoleucine.
Molecular consequence: missense variant.
Genome position (GRCh38, 1-based): chrX:101,370,052, C>T on the plus strand (G>A on the coding strand, the complement: BTK is on the minus strand). VCF-style: chrX-101370052-C-T. GRCh37 (hg19) VCF-style: chrX-100625040-C-T.
Other names: c.439G>A, p.Val147Ile (NM_001287344.2); c.337G>A, p.Val113Ile (NM_001287345.2); short protein forms V113I, V147I.
Identifiers: ClinVar variation 1503280 (VCV001503280.4), dbSNP rs2147443453, ClinGen allele CA413937212.

ClinVar aggregate classification (germline): Uncertain significance. Review status: criteria provided, multiple submitters, no conflicts (2 of 4 stars). 2 submissions from 2 submitters: Uncertain significance (2). Last evaluated 2023-02-24.

Conditions:
X-linked agammaglobulinemia with growth hormone deficiency (IGHD3). Also called: FLEISHER SYNDROME; HYPOGAMMAGLOBULINEMIA AND ISOLATED GROWTH HORMONE DEFICIENCY, X-LINKED; IGHD III; AGAMMAGLOBULINEMIA AND ISOLATED GROWTH HORMONE DEFICIENCY, X-LINKED; Isolated growth hormone deficiency type 3; Growth hormone deficiency with hypogammaglobulinemia. Identifiers: Orphanet 231692, Orphanet 631, MedGen C0472813, MONDO:0010615, OMIM 307200.

Allele frequency attached by ClinVar (database versions not stated): gnomAD exomes 0.00001.
gnomAD v4.1: 8 of 1,210,193 alleles (0.00066%); highest among the groups gnomAD compares: Non-Finnish European, 0.00089%; no homozygotes.

Submissions (2):

ARUP Laboratories, Molecular Genetics and Genomics, ARUP Laboratories
Classification: Uncertain significance. Last evaluated: 2023-02-24. Review status: criteria provided, single submitter. Criteria: ARUP Molecular Germline Variant Investigation Process 2024. Collection method: clinical testing. Allele origin: germline.
Comment: The BTK c.337G>A; p.Val113Ile variant (rs2147443453), is reported in the literature in an individual affected with X-linked agammaglobulinemia (Yildirim 2021). This variant is also reported in ClinVar (Variation ID: 1503280) and is absent from the Genome Aggregation Database, indicating it is not a common polymorphism. Additionally, other variants at this codon (c.338T>A, p.Val113Asp; c.337G>T, p. Val113Phe) have been reported in individuals with X-linked agammaglobulinemia (Conley 1998, Plebani 2002). Computational analyses are uncertain whether the p.Val113Ile variant is neutral or deleterious (REVEL: 0.387). However, given the lack of clinical and functional data, the significance of this variant is uncertain at this time. References: Conley ME et al. Mutations in btk in patients with presumed X-linked agammaglobulinemia. Am J Hum Genet. 1998 May;62(5):1034-43. PMID: 9545398. Plebani A et al. Clinical, immunological, and molecular analysis in a large cohort of patients with X-linked agammaglobulinemia: an Italian multicenter study. Clin Immunol. 2002 Sep;104(3):221-30. PMID: 12217331. Yildirim I et al. X-linked agammaglobulinemia: investigation of clinical and laboratory findings, novel gene mutations and prevention of infective complications in long-term follow-up. Am J Clin Exp Immunol. 2021 Feb 15;10(1):37-43. Erratum in: Am J Clin Exp Immunol. 2021 Aug 15;10(2):63-64. PMID: 33815962.

Labcorp Genetics (formerly Invitae), Labcorp
Classification: Uncertain significance for X-linked agammaglobulinemia with growth hormone deficiency. Last evaluated: 2022-06-09. Review status: criteria provided, single submitter. Criteria: Invitae Variant Classification Sherloc (09022015). Collection method: clinical testing. Allele origin: germline.
Comment: This sequence change replaces valine, which is neutral and non-polar, with isoleucine, which is neutral and non-polar, at codon 113 of the BTK protein (p.Val113Ile). This variant is not present in population databases (gnomAD no frequency). This missense change has been observed in individual(s) with X-linked agammaglobulinemia (PMID: 33815962). Advanced modeling of protein sequence and biophysical properties (such as structural, functional, and spatial information, amino acid conservation, physicochemical variation, residue mobility, and thermodynamic stability) performed at Invitae indicates that this missense variant is not expected to disrupt BTK protein function. This variant disrupts the p.Val113 amino acid residue in BTK. Other variant(s) that disrupt this residue have been observed in individuals with BTK-related conditions (PMID: 9545398, 12217331), which suggests that this may be a clinically significant amino acid residue. In summary, the available evidence is currently insufficient to determine the role of this variant in disease. Therefore, it has been classified as a Variant of Uncertain Significance.

Literature cited by the submitters: PubMed 33815962 (cited by Labcorp Genetics (formerly Invitae), Labcorp); PubMed 9545398 (cited by Labcorp Genetics (formerly Invitae), Labcorp); PubMed 12217331 (cited by Labcorp Genetics (formerly Invitae), Labcorp).